The following is an entry in ClinVar:

ClinVar aggregate classification (germline): Uncertain significance. Review status: criteria provided, multiple submitters, no conflicts (2 of 4 stars). 2 submissions from 2 submitters: Uncertain significance (2). Last evaluated 2023-12-04.

Conditions:
Familial adenomatous polyposis 1 (FAP1). Also called: POLYPOSIS, ADENOMATOUS INTESTINAL; FAMILIAL ADENOMATOUS POLYPOSIS 1, ATTENUATED. Identifiers: MedGen C2713442, MONDO:0021056, OMIM 175100. Disease mechanism: loss of function.
Hereditary cancer-predisposing syndrome. Also called: Tumor predisposition; Neoplastic Syndromes, Hereditary; Hereditary neoplastic syndrome; Hereditary Cancer Syndrome. Identifiers: Orphanet 140162, MedGen C0027672, MeSH D009386, MONDO:0015356.

Submissions (2):

Color Diagnostics, LLC DBA Color Health
Classification: Uncertain significance for Hereditary cancer-predisposing syndrome. Last evaluated: 2023-12-04. Review status: criteria provided, single submitter. Criteria: ACMG Guidelines, 2015. Collection method: clinical testing. Allele origin: germline.
Comment: This missense variant replaces proline with threonine at codon 2086 of the APC protein. Computational prediction suggests that this variant may not impact protein structure and function (internally defined REVEL score threshold <= 0.5, PMID: 27666373). To our knowledge, functional studies have not been reported for this variant. This variant has not been reported in individuals affected with APC-related disorders in the literature. This variant has not been identified in the general population by the Genome Aggregation Database (gnomAD). The available evidence is insufficient to determine the role of this variant in disease conclusively. Therefore, this variant is classified as a Variant of Uncertain Significance.

Labcorp Genetics (formerly Invitae), Labcorp
Classification: Uncertain significance for Familial adenomatous polyposis 1. Last evaluated: 2023-11-08. Review status: criteria provided, single submitter. Criteria: Invitae Variant Classification Sherloc (09022015). Collection method: clinical testing. Allele origin: germline.
Comment: This sequence change replaces proline, which is neutral and non-polar, with threonine, which is neutral and polar, at codon 2086 of the APC protein (p.Pro2086Thr). This variant is not present in population databases (gnomAD no frequency). This variant has not been reported in the literature in individuals affected with APC-related conditions. ClinVar contains an entry for this variant (Variation ID: 630786). Advanced modeling of protein sequence and biophysical properties (such as structural, functional, and spatial information, amino acid conservation, physicochemical variation, residue mobility, and thermodynamic stability) performed at Invitae indicates that this missense variant is not expected to disrupt APC protein function with a negative predictive value of 95%. In summary, the available evidence is currently insufficient to determine the role of this variant in disease. Therefore, it has been classified as a Variant of Uncertain Significance.

NM_000038.6(APC):c.6256C>A (p.Pro2086Thr)

Gene: APC (APC regulator of Wnt signaling pathway; plus strand). Cytogenetic location: 5q22.2.
Variant type: single nucleotide variant.
Coding change: c.6256C>A on transcript NM_000038.6 (MANE Select); coding-DNA position 6256, C replaced by A.
Protein change: p.Pro2086Thr; replaces proline 2086 with threonine.
Molecular consequence: missense variant.
Genome position (GRCh38, 1-based): chr5:112,841,850, C>A. VCF-style: chr5-112841850-C-A. GRCh37 (hg19) VCF-style: chr5-112177547-C-A.
Other names: c.6256C>A, p.Pro2086Thr (NM_001127510.3, NM_001354895.2); c.6202C>A, p.Pro2068Thr (NM_001127511.3); c.6310C>A, p.Pro2104Thr (NM_001354896.2); c.6286C>A, p.Pro2096Thr (NM_001354897.2); c.6181C>A, p.Pro2061Thr (NM_001354898.2); c.6172C>A, p.Pro2058Thr (NM_001354899.2); c.6133C>A, p.Pro2045Thr (NM_001354900.2); c.6079C>A, p.Pro2027Thr (NM_001354901.2); and 5 more; short protein forms P2086T, P2068T, P1803T, P1926T, P1985T, P2058T, P1960T, P2027T.
Identifiers: ClinVar variation 630786 (VCV000630786.7), dbSNP rs780667260, ClinGen allele CA16035030.